The following is an entry in ClinVar:

NM_032242.4(PLXNA1):c.2550G>A (p.Ser850=)

Gene: PLXNA1 (plexin A1; plus strand). Cytogenetic location: 3q21.3.
Variant type: single nucleotide variant.
Coding change: c.2550G>A on transcript NM_032242.4 (MANE Select); coding-DNA position 2550, G replaced by A.
Protein change: p.Ser850=; no amino-acid change (serine 850 retained).
Molecular consequence: synonymous variant.
Genome position (GRCh38, 1-based): chr3:127,014,321, G>A. VCF-style: chr3-127014321-G-A. GRCh37 (hg19) VCF-style: chr3-126733164-G-A.
Other names: c.2550G>A (NM_032242.3).
Identifiers: ClinVar variation 2907387 (VCV002907387.5), dbSNP rs754145615, ClinGen allele CA2593659.
Genomic context (GRCh38, chr3:127,014,321, plus strand): 5'-GTGCGTGGCCGAGCGCCGCTGCTCCCTGCGACACCACTGCGCTGCCGACACACCTGCATC[G>A]TGGATGCACGCGCGTCACGGCAGCAGTCGCTGCACCGACCCCAAGATCCTCAAGGTAGGG-3'
Protein context (NP_115618.3, residues 840-860): RHHCAADTPA[Ser850=]WMHARHGSSR

ClinVar aggregate classification (germline): Likely benign. Review status: criteria provided, single submitter (1 of 4 stars). 2 submissions from 2 submitters: Likely benign (1). 1 of the submissions does not count toward it. Last evaluated 2025-10-13.

Conditions:
PLXNA1-related disorder. Also called: PLXNA1-related condition.

Allele frequency attached by ClinVar (database versions not stated): gnomAD 0.00004; TOPMed 0.00001; ExAC 0.00003; gnomAD exomes 0.00004.
gnomAD v4.1: 66 of 1,597,348 alleles (0.0041%); highest among the groups gnomAD compares: Admixed American, 0.0067%; no homozygotes.

Submissions (2):

Labcorp Genetics (formerly Invitae), Labcorp
Classification: Likely benign. Last evaluated: 2025-10-13. Review status: criteria provided, single submitter. Criteria: Invitae Variant Classification Sherloc (09022015). Collection method: clinical testing. Allele origin: germline.

PreventionGenetics, part of Exact Sciences
Classification: Likely benign for PLXNA1-related condition. Last evaluated: 2022-04-05. Review status: no assertion criteria provided. Collection method: clinical testing. Allele origin: germline. Not counted in ClinVar's aggregate classification.
Comment: This variant is classified as likely benign based on ACMG/AMP sequence variant interpretation guidelines (Richards et al. 2015 PMID: 25741868, with internal and published modifications).